The following is an entry in ClinVar:

ClinVar aggregate classification (germline): Conflicting classifications of pathogenicity. Review status: criteria provided, conflicting classifications (1 of 4 stars). 3 submissions from 3 submitters: Uncertain significance (2); Likely benign (1). Last evaluated 2023-10-01.

Allele frequency attached by ClinVar (database versions not stated): gnomAD 0.00017; TOPMed 0.00017; gnomAD exomes 0.00018; ESP Exome Variant Server 0.00031; 1000 Genomes Project 0.00060; 1000 Genomes Project 30x 0.00062.
gnomAD v4.1: 311 of 1,614,152 alleles (0.019%); highest among the groups gnomAD compares: East Asian, 0.13%; no homozygotes.

Submissions (3):

CeGaT Center for Human Genetics Tuebingen
Classification: Uncertain significance. Last evaluated: 2023-10-01. Review status: criteria provided, single submitter. Criteria: CeGaT Center For Human Genetics Tuebingen Variant Classification Criteria Version 2. Collection method: clinical testing. Allele origin: germline. Affected: yes. Observed: 1 variant allele.
Comment: TNS2: PM2

Ambry Genetics
Classification: Uncertain significance. Last evaluated: 2023-02-23. Review status: criteria provided, single submitter. Criteria: Ambry Variant Classification Scheme 2023. Collection method: clinical testing. Allele origin: germline.

Labcorp Genetics (formerly Invitae), Labcorp
Classification: Likely benign. Last evaluated: 2022-07-27. Review status: criteria provided, single submitter. Criteria: Invitae Variant Classification Sherloc (09022015). Collection method: clinical testing. Allele origin: germline.

NM_170754.4(TNS2):c.1213G>A (p.Glu405Lys)

Gene: TNS2 (tensin 2; plus strand). Cytogenetic location: 12q13.13.
Variant type: single nucleotide variant.
Coding change: c.1213G>A on transcript NM_170754.4 (MANE Select); coding-DNA position 1213, G replaced by A.
Protein change: p.Glu405Lys; replaces glutamic acid 405 with lysine.
Molecular consequence: missense variant.
Genome position (GRCh38, 1-based): chr12:53,058,433, G>A. VCF-style: chr12-53058433-G-A. GRCh37 (hg19) VCF-style: chr12-53452217-G-A.
Other names: c.1213G>A, p.Glu405Lys (NM_001416202.1, NM_001416204.1); c.1144G>A, p.Glu382Lys (NM_001416203.1, NM_015319.3); c.841G>A, p.Glu281Lys (NM_198316.2); short protein forms E281K, E405K, E415K, E382K.
Identifiers: ClinVar variation 2068657 (VCV002068657.30), dbSNP rs139273379, ClinGen allele CA6592231.
Genomic context (GRCh38, chr12:53,058,433, plus strand): 5'-CAGTTCCACACCTGCACCATCCACGGACCACAGCTCACTTTCCCCAAGGACCAGCTTGAC[G>A]AGGCCTGGACTGGTGAGTCTGAGACAAGTGGCCTGGGGCTGGAGTCCAGGTGGCAGGCAG-3'
Protein context (NP_736610.2, residues 395-415): QLTFPKDQLD[Glu405Lys]AWTDERFPFQ